The following is an entry in ClinVar:

ClinVar aggregate classification (germline): Uncertain significance (1 of 4 stars; one submission).

Submission:

Labcorp Genetics (formerly Invitae), Labcorp
Classification: Uncertain significance. Last evaluated: 2026-01-06. Review status: criteria provided, single submitter. Criteria: Invitae Variant Classification Sherloc (09022015). Collection method: clinical testing. Allele origin: germline.
Comment: This variant, c.249_260del, results in the deletion of 4 amino acid(s) of the ARIH1 protein (p.Gly87_Gly90del), but otherwise preserves the integrity of the reading frame. The frequency data for this variant in the population databases is considered unreliable, as metrics indicate poor data quality at this position in the gnomAD database. This variant has not been reported in the literature in individuals affected with ARIH1-related conditions. ClinVar contains an entry for this variant (Variation ID: 1504743). Experimental studies and prediction algorithms are not available or were not evaluated, and the functional significance of this variant is currently unknown. In summary, the available evidence is currently insufficient to determine the role of this variant in disease. Therefore, it has been classified as a Variant of Uncertain Significance.

NM_005744.5(ARIH1):c.249_260del (p.Gly87_Gly90del)

Gene: ARIH1 (ariadne RBR E3 ubiquitin protein ligase 1; plus strand). Cytogenetic location: 15q24.1.
Variant type: Deletion.
Coding change: c.249_260del on transcript NM_005744.5 (MANE Select); coding-DNA positions 249 to 260, 12 bases deleted (CGGCGGCGGTGG).
Protein change: p.Gly87_Gly90del.
Molecular consequence: inframe deletion.
Genome position (GRCh38, 1-based): chr15:72,474,888-72,474,899, CGGCGGCGGTGG deleted; deleting any 12 consecutive bases within chr15:72,474,886-72,474,899 gives the same sequence; the c. name uses the placement nearest the transcript's 3' end. VCF-style (leftmost placement, unchanged base first): chr15-72474885-CGGCGGCGGCGGT-C. GRCh37 (hg19) VCF-style: chr15-72767226-CGGCGGCGGCGGT-C.
Identifiers: ClinVar variation 1504743 (VCV001504743.6), dbSNP rs751612173, ClinGen allele CA7645454.